The following is an entry in ClinVar:

NM_178844.4(NLRC3):c.2184-248T>G

Gene: NLRC3 (NLR family CARD domain containing 3; minus strand). Cytogenetic location: 16p13.3.
Variant type: single nucleotide variant.
Coding change: c.2184-248T>G on transcript NM_178844.4 (MANE Select); 248 bases into the intron before coding-DNA position 2184, T replaced by G.
Molecular consequence: intron variant.
Genome position (GRCh38, 1-based): chr16:3,554,573, A>C on the plus strand (T>G on the coding strand, the complement: NLRC3 is on the minus strand). VCF-style: chr16-3554573-A-C. GRCh37 (hg19) VCF-style: chr16-3604574-A-C.
Identifiers: ClinVar variation 103368 (VCV000103368.2), dbSNP rs199476285, ClinGen allele CA230481.
Genomic context (GRCh38, chr16:3,554,573, plus strand): 5'-AGTTGCTAAGCATTTGCCTGCTGGCTGGGAACAAGGTGCTTCTGCTCTCTGAATAACCAC[A>C]ACAAAGTCATCAATTGCCCTCATTACAGCTGAAAGACACAGGATCCAAGTGTTGGTGAGA-3'

ClinVar aggregate classification (germline): not provided (0 of 4 stars; one submission).

Allele frequency attached by ClinVar (database versions not stated): gnomAD 0.00001; TOPMed 0.00001.
gnomAD v4.1: 2 of 152,192 alleles (0.0013%); highest among the groups gnomAD compares: African/African-American, 0.0048%; no homozygotes.

Submission:

Human Evolutionary Genetics, Institut Pasteur
No classification provided. Review status: no classification provided. Collection method: not provided. Allele origin: germline.
ClinVar note: Converted during submission from untested to not provided.